The following is an entry in ClinVar:

NM_001042492.3(NF1):c.1520del (p.Leu507fs)

Gene: NF1 (neurofibromin 1; plus strand). Cytogenetic location: 17q11.2.
Variant type: Deletion.
Coding change: c.1520del on transcript NM_001042492.3 (MANE Select); coding-DNA position 1520, one base deleted (T; older notation c.1520delT).
Protein change: p.Leu507fs; shifts the reading frame from leucine 507.
Molecular consequence: frameshift variant.
Genome position (GRCh38, 1-based): chr17:31,214,578, T deleted; the last of 2 consecutive T bases (chr17:31,214,577-31,214,578); deleting either gives the same sequence. VCF-style (leftmost placement, unchanged base first): chr17-31214576-CT-C. GRCh37 (hg19) VCF-style: chr17-29541594-CT-C.
Other names: c.1520delT, p.Leu507Cysfs (NM_000267.4); c.1520del, p.Leu507fs (NM_001128147.3); short protein forms L507fs.
Identifiers: ClinVar variation 3342718 (VCV003342718.1).

ClinVar aggregate classification (germline): Pathogenic (1 of 4 stars; one submission).

Submission:

GeneDx
Classification: Pathogenic. Last evaluated: 2024-03-27. Review status: criteria provided, single submitter. Criteria: GeneDx Variant Classification Process June 2021. Collection method: clinical testing. Allele origin: germline. Affected: yes.
Comment: Frameshift variant predicted to result in protein truncation or nonsense mediated decay in a gene for which loss of function is a known mechanism of disease; Not observed at significant frequency in large population cohorts (gnomAD); This variant is associated with the following publications: (PMID: 26740943)